The following is an entry in ClinVar:

ClinVar aggregate classification (germline): Uncertain significance (1 of 4 stars; one submission).

Conditions:
Ataxia-telangiectasia syndrome (AT). Also called: Ataxia-telangiectasia, complementation group E; ATAXIA-TELANGIECTASIA, COMPLEMENTATION GROUP A; ATAXIA-TELANGIECTASIA, FRESNO VARIANT; Ataxia-telangiectasia; LOUIS-BAR SYNDROME; Ataxia-telangiectasia, complementation group D. Identifiers: Orphanet 100, MedGen C0004135, MONDO:0008840, OMIM 208900.

Submission:

Labcorp Genetics (formerly Invitae), Labcorp
Classification: Uncertain significance for Ataxia-telangiectasia syndrome. Last evaluated: 2022-12-01. Review status: criteria provided, single submitter. Criteria: Invitae Variant Classification Sherloc (09022015). Collection method: clinical testing. Allele origin: germline.
Comment: This variant is not present in population databases (gnomAD no frequency). In summary, the available evidence is currently insufficient to determine the role of this variant in disease. Therefore, it has been classified as a Variant of Uncertain Significance. Algorithms developed to predict the effect of missense changes on protein structure and function (SIFT, PolyPhen-2, Align-GVGD) all suggest that this variant is likely to be disruptive. This variant has not been reported in the literature in individuals affected with ATM-related conditions. This sequence change replaces leucine, which is neutral and non-polar, with serine, which is neutral and polar, at codon 1238 of the ATM protein (p.Leu1238Ser).

NM_000051.4(ATM):c.3713T>C (p.Leu1238Ser)

Gene: ATM (ATM serine/threonine kinase; plus strand). Cytogenetic location: 11q22.3.
Variant type: single nucleotide variant.
Coding change: c.3713T>C on transcript NM_000051.4 (MANE Select); coding-DNA position 3713, T replaced by C.
Protein change: p.Leu1238Ser; replaces leucine 1238 with serine.
Molecular consequence: missense variant.
Genome position (GRCh38, 1-based): chr11:108,282,846, T>C. VCF-style: chr11-108282846-T-C. GRCh37 (hg19) VCF-style: chr11-108153573-T-C.
Other names: c.3713T>C, p.Leu1238Ser (NM_001351834.2); short protein forms L1238S.
Identifiers: ClinVar variation 2810669 (VCV002810669.3), dbSNP rs2135690582, ClinGen allele CA382523698.